The following is an entry in ClinVar:

NM_004656.4(BAP1):c.1839G>A (p.Thr613=)

Gene: BAP1 (BRCA1 associated deubiquitinase 1; minus strand). Cytogenetic location: 3p21.1.
Variant type: single nucleotide variant.
Coding change: c.1839G>A on transcript NM_004656.4 (MANE Select); coding-DNA position 1839, G replaced by A.
Protein change: p.Thr613=; no amino-acid change (threonine 613 retained).
Molecular consequence: synonymous variant.
Genome position (GRCh38, 1-based): chr3:52,403,189, C>T on the plus strand (G>A on the coding strand, the complement: BAP1 is on the minus strand). VCF-style: chr3-52403189-C-T. GRCh37 (hg19) VCF-style: chr3-52437205-C-T.
Identifiers: ClinVar variation 490819 (VCV000490819.17), dbSNP rs756450018, ClinGen allele CA2436704.
Genomic context (GRCh38, chr3:52,403,189, plus strand): 5'-GAGGCTCACCTTGGGTGAGTATTTCTCCCCACTCAAGGGCTCGCCAGGCCTCACCATCCC[C>T]GTCTTCTCTCTGCTGTCCGTGGCTTCCACGACCTCCTTCTCCACTGGGCTGCTGGACCCC-3'
Protein context (NP_004647.1, residues 603-623): VVEATDSREK[Thr613=]GMVRPGEPLS

ClinVar aggregate classification (germline): Benign/Likely benign. Review status: criteria provided, multiple submitters, no conflicts (2 of 4 stars). 5 submissions from 5 submitters: Benign (1); Likely benign (4). Last evaluated 2026-01-08.

Conditions:
BAP1-related tumor predisposition syndrome (TPDS1). Also called: Tumor susceptibility linked to germline BAP1 mutations; BAP1 tumor predisposition syndrome; COMMON Syndrome; TUMOR PREDISPOSITION SYNDROME 1. Identifiers: Orphanet 289539, MedGen C3280492, MONDO:0013692, OMIM 614327.
Hereditary cancer-predisposing syndrome. Also called: Tumor predisposition; Hereditary Cancer Syndrome; Neoplastic Syndromes, Hereditary; Hereditary neoplastic syndrome. Identifiers: Orphanet 140162, MedGen C0027672, MeSH D009386, MONDO:0015356.

Allele frequency attached by ClinVar (database versions not stated): ExAC 0.00001; TOPMed 0.00001; gnomAD 0.00003; gnomAD exomes 0.00003.

Submissions (5):

Labcorp Genetics (formerly Invitae), Labcorp
Classification: Likely benign for BAP1-related tumor predisposition syndrome. Last evaluated: 2026-01-08. Review status: criteria provided, single submitter. Criteria: Invitae Variant Classification Sherloc (09022015). Collection method: clinical testing. Allele origin: germline.

Myriad Genetics, Inc.
Classification: Benign for BAP1-related tumor predisposition syndrome. Last evaluated: 2024-07-17. Review status: criteria provided, single submitter. Criteria: Myriad Autosomal Dominant, Autosomal Recessive and X-Linked Classification Criteria (2023). Collection method: clinical testing. Allele origin: unknown.
Comment: This variant is considered benign. This variant is a silent/synonymous amino acid change and it is not expected to impact splicing.

Blueprint Genetics
Classification: Likely benign. Last evaluated: 2022-03-28. Review status: criteria provided, single submitter. Criteria: ACMG Guidelines, 2015. Collection method: clinical testing. Allele origin: germline.

Ambry Genetics
Classification: Likely benign for Hereditary cancer-predisposing syndrome. Last evaluated: 2020-10-16. Review status: criteria provided, single submitter. Criteria: Ambry Variant Classification Scheme 2023. Collection method: clinical testing. Allele origin: germline.

Color Diagnostics, LLC DBA Color Health
Classification: Likely benign for Hereditary cancer-predisposing syndrome. Last evaluated: 2016-07-23. Review status: criteria provided, single submitter. Criteria: ACMG Guidelines, 2015. Collection method: clinical testing. Allele origin: germline.